The following is an entry in ClinVar:

NM_015466.4(PTPN23):c.1427C>T (p.Ala476Val)

Gene: PTPN23 (protein tyrosine phosphatase non-receptor type 23; plus strand). Cytogenetic location: 3p21.31.
Variant type: single nucleotide variant.
Coding change: c.1427C>T on transcript NM_015466.4 (MANE Select); coding-DNA position 1427, C replaced by T.
Protein change: p.Ala476Val; replaces alanine 476 with valine.
Molecular consequence: missense variant.
Genome position (GRCh38, 1-based): chr3:47,408,872, C>T. VCF-style: chr3-47408872-C-T. GRCh37 (hg19) VCF-style: chr3-47450362-C-T.
Other names: c.1049C>T, p.Ala350Val (NM_001304482.2); short protein forms A476V, A350V.
Identifiers: ClinVar variation 1409234 (VCV001409234.6), dbSNP rs761990455, ClinGen allele CA2365737.

ClinVar aggregate classification (germline): Uncertain significance (1 of 4 stars; one submission).

Allele frequency attached by ClinVar (database versions not stated): gnomAD exomes 0.00002 and 0.00005; TOPMed 0.00002; ExAC 0.00003.
gnomAD v4.1: 46 of 1,614,168 alleles (0.0028%); highest among the groups gnomAD compares: African/African-American, 0.011%; no homozygotes.

Submission:

Labcorp Genetics (formerly Invitae), Labcorp
Classification: Uncertain significance. Last evaluated: 2026-02-02. Review status: criteria provided, single submitter. Criteria: Invitae Variant Classification Sherloc (09022015). Collection method: clinical testing. Allele origin: germline.
Comment: This sequence change replaces alanine, which is neutral and non-polar, with valine, which is neutral and non-polar, at codon 476 of the PTPN23 protein (p.Ala476Val). This variant is present in population databases (rs761990455, gnomAD 0.01%). This variant has not been reported in the literature in individuals affected with PTPN23-related conditions. ClinVar contains an entry for this variant (Variation ID: 1409234). An algorithm developed to predict the effect of missense changes on protein structure and function outputs the following: PolyPhen-2: "Not Available". The valine amino acid residue is found in multiple mammalian species, which suggests that this missense change does not adversely affect protein function. In summary, the available evidence is currently insufficient to determine the role of this variant in disease. Therefore, it has been classified as a Variant of Uncertain Significance.